The following is an entry in ClinVar:

NM_000760.4(CSF3R):c.1624T>C (p.Trp542Arg)

Gene: CSF3R (colony stimulating factor 3 receptor; minus strand). Cytogenetic location: 1p34.3.
Variant type: single nucleotide variant.
Coding change: c.1624T>C on transcript NM_000760.4 (MANE Select); coding-DNA position 1624, T replaced by C.
Protein change: p.Trp542Arg; replaces tryptophan 542 with arginine.
Molecular consequence: missense variant.
Genome position (GRCh38, 1-based): chr1:36,468,174, A>G on the plus strand (T>C on the coding strand, the complement: CSF3R is on the minus strand). VCF-style: chr1-36468174-A-G. GRCh37 (hg19) VCF-style: chr1-36933775-A-G.
Other names: c.1624T>C, p.Trp542Arg (NM_156039.3, NM_172313.3); short protein forms W542R.
Identifiers: ClinVar variation 863380 (VCV000863380.14), dbSNP rs763748002, ClinGen allele CA769128.
Genomic context (GRCh38, chr1:36,468,174, plus strand): 5'-AGTGGGTAAGGGGGCTCTTCCCCAGCTCAGGGGGCTCAGGCACCCACTCCAGCTGTGCCC[A>G]GGTCTTGCCAATGTGCTTTAGATGCAGCTCTGGGGCATGGGAGGGAGCTATGGGAAGAGA-3'
Protein context (NP_000751.1, residues 532-552): ELHLKHIGKT[Trp542Arg]AQLEWVPEPP

ClinVar aggregate classification (germline): Uncertain significance. Review status: criteria provided, multiple submitters, no conflicts (2 of 4 stars). 3 submissions from 3 submitters: Uncertain significance (3). Last evaluated 2025-08-26.

Conditions:
Autosomal recessive severe congenital neutropenia due to CSF3R deficiency. Also called: Neutropenia, severe congenital, 7, autosomal recessive. Identifiers: Orphanet 420702, MedGen C4310764, MONDO:0014865, OMIM 617014.
Inborn genetic diseases. Identifiers: MedGen C0950123, MeSH D030342.

Allele frequency attached by ClinVar (database versions not stated): gnomAD exomes below 0.00001 and 0.00001; gnomAD 0.00001; ExAC 0.00002.
gnomAD v4.1: 10 of 1,611,544 alleles (0.00062%); highest among the groups gnomAD compares: Admixed American, 0.0067%; no homozygotes.

Submissions (3):

Labcorp Genetics (formerly Invitae), Labcorp
Classification: Uncertain significance for Autosomal recessive severe congenital neutropenia due to CSF3R deficiency. Last evaluated: 2025-08-26. Review status: criteria provided, single submitter. Criteria: Invitae Variant Classification Sherloc (09022015). Collection method: clinical testing. Allele origin: germline.
Comment: This sequence change replaces tryptophan, which is neutral and slightly polar, with arginine, which is basic and polar, at codon 542 of the CSF3R protein (p.Trp542Arg). This variant is present in population databases (rs763748002, gnomAD 0.006%). This variant has not been reported in the literature in individuals affected with CSF3R-related conditions. ClinVar contains an entry for this variant (Variation ID: 863380). Invitae Evidence Modeling of protein sequence and biophysical properties (such as structural, functional, and spatial information, amino acid conservation, physicochemical variation, residue mobility, and thermodynamic stability) has been performed for this missense variant. However, the output from this modeling did not meet the statistical confidence thresholds required to predict the impact of this variant on CSF3R protein function. In summary, the available evidence is currently insufficient to determine the role of this variant in disease. Therefore, it has been classified as a Variant of Uncertain Significance.

Ambry Genetics
Classification: Uncertain significance for Inborn genetic diseases. Last evaluated: 2024-07-09. Review status: criteria provided, single submitter. Criteria: Ambry Variant Classification Scheme 2023. Collection method: clinical testing. Allele origin: germline.

Genetic Services Laboratory, University of Chicago
Classification: Uncertain significance. Last evaluated: 2019-04-15. Review status: criteria provided, single submitter. Criteria: ACMG Guidelines, 2015. Collection method: clinical testing. Allele origin: germline. Affected: no.